The following is an entry in ClinVar:

NM_007078.3(LDB3):c.1317C>T (p.Pro439=)

Gene: LDB3 (LIM domain binding 3; plus strand). Cytogenetic location: 10q23.2.
Variant type: single nucleotide variant.
Coding change: c.1317C>T on transcript NM_007078.3 (MANE Select); coding-DNA position 1317, C replaced by T.
Protein change: p.Pro439=; no amino-acid change (proline 439 retained).
Molecular consequence: synonymous variant.
Genome position (GRCh38, 1-based): chr10:86,716,412, C>T. VCF-style: chr10-86716412-C-T. GRCh37 (hg19) VCF-style: chr10-88476169-C-T.
Other names: c.987C>T, p.Pro329= (NM_001080114.2); c.1332C>T, p.Pro444= (NM_001171610.2); c.1128C>T, p.Pro376= (NM_001368064.1, NM_001368065.1); c.1176C>T, p.Pro392= (NM_001368066.1); c.987C>T (NM_001080114.1).
Identifiers: ClinVar variation 45513 (VCV000045513.40), dbSNP rs397517208, ClinGen allele CA136491.

ClinVar aggregate classification (germline): Likely benign. Review status: criteria provided, multiple submitters, no conflicts (2 of 4 stars). 6 submissions from 6 submitters: Likely benign (5). 1 of the submissions does not count toward it. Last evaluated 2025-07-27.

Conditions:
LDB3-related disorder. Also called: LDB3-related condition.
Cardiovascular phenotype. Identifiers: MedGen CN230736.
Myofibrillar myopathy 4. Also called: Zaspopathy (type). Identifiers: Orphanet 98912, MedGen C4721886, MONDO:0012277, OMIM 609452.

Allele frequency attached by ClinVar (database versions not stated): gnomAD below 0.00001 and 0.00001; gnomAD exomes 0.00009; ExAC 0.00016.
gnomAD v4.1: 58 of 1,546,088 alleles (0.0038%); highest among the groups gnomAD compares: South Asian, 0.063%; 1 homozygote.

Submissions (6):

Labcorp Genetics (formerly Invitae), Labcorp
Classification: Likely benign for Myofibrillar myopathy 4. Last evaluated: 2025-07-27. Review status: criteria provided, single submitter. Criteria: Invitae Variant Classification Sherloc (09022015). Collection method: clinical testing. Allele origin: germline.

Ambry Genetics
Classification: Likely benign for Cardiovascular phenotype. Last evaluated: 2025-03-13. Review status: criteria provided, single submitter. Criteria: Ambry Variant Classification Scheme 2023. Collection method: clinical testing. Allele origin: germline.

CeGaT Center for Human Genetics Tuebingen
Classification: Likely benign. Last evaluated: 2022-08-01. Review status: criteria provided, single submitter. Criteria: CeGaT Center For Human Genetics Tuebingen Variant Classification Criteria Version 2. Collection method: clinical testing. Allele origin: germline. Affected: yes. Observed: 1 variant allele.
Comment: LDB3: BP4, BP7

Blueprint Genetics
Classification: Likely benign. Last evaluated: 2021-03-11. Review status: criteria provided, single submitter. Criteria: ACMG Guidelines, 2015. Collection method: clinical testing. Allele origin: germline.

Laboratory for Molecular Medicine, Mass General Brigham Personalized Medicine
Classification: Likely benign. Last evaluated: 2013-01-23. Review status: criteria provided, single submitter. Criteria: LMM Criteria. Collection method: clinical testing. Allele origin: germline. Observed: 1 variant allele.
Comment: Pro439Pro in exon 12 of LDB3: This variant is not expected to have clinical sign ificance because it does not alter an amino acid residue and is not located with in the splice consensus sequence. Pro439Pro in exon 12 of LDB3 (allele frequenc y = n/a)

PreventionGenetics, part of Exact Sciences
Classification: Likely benign for LDB3-related condition. Last evaluated: 2019-05-24. Review status: no assertion criteria provided. Collection method: clinical testing. Allele origin: germline. Not counted in ClinVar's aggregate classification.
Comment: This variant is classified as likely benign based on ACMG/AMP sequence variant interpretation guidelines (Richards et al. 2015 PMID: 25741868, with internal and published modifications).